The following is an entry in ClinVar:

ClinVar aggregate classification (germline): Likely benign (1 of 4 stars; one submission).

Allele frequency attached by ClinVar (database versions not stated): TOPMed 0.00012; gnomAD 0.00016; ExAC 0.00017; 1000 Genomes Project 30x 0.00021; 1000 Genomes Project 0.00026; ESP Exome Variant Server 0.00028; gnomAD exomes 0.00038.
gnomAD v4.1: 430 of 1,209,548 alleles (0.036%); highest among the groups gnomAD compares: Non-Finnish European, 0.045%; no homozygotes.

Submission:

CeGaT Center for Human Genetics Tuebingen
Classification: Likely benign. Last evaluated: 2023-04-01. Review status: criteria provided, single submitter. Criteria: CeGaT Center For Human Genetics Tuebingen Variant Classification Criteria Version 2. Collection method: clinical testing. Allele origin: germline. Affected: yes. Observed: 1 variant allele.
Comment: MAP3K15: BP4, BS2

NM_001001671.4(MAP3K15):c.2984C>T (p.Pro995Leu)

Gene: MAP3K15 (mitogen-activated protein kinase kinase kinase 15; minus strand). Cytogenetic location: Xp22.12.
Variant type: single nucleotide variant.
Coding change: c.2984C>T on transcript NM_001001671.4 (MANE Select); coding-DNA position 2984, C replaced by T.
Protein change: p.Pro995Leu; replaces proline 995 with leucine.
Molecular consequence: missense variant.
Genome position (GRCh38, 1-based): chrX:19,372,777, G>A on the plus strand (C>T on the coding strand, the complement: MAP3K15 is on the minus strand). VCF-style: chrX-19372777-G-A. GRCh37 (hg19) VCF-style: chrX-19390895-G-A.
Other names: short protein forms P995L.
Identifiers: ClinVar variation 2660129 (VCV002660129.24), dbSNP rs140883351, ClinGen allele CA10363582.